The following is an entry in ClinVar:

NM_000179.3(MSH6):c.1472T>C (p.Met491Thr)

Gene: MSH6 (mutS homolog 6; plus strand). Cytogenetic location: 2p16.3.
Variant type: single nucleotide variant.
Coding change: c.1472T>C on transcript NM_000179.3 (MANE Select); coding-DNA position 1472, T replaced by C.
Protein change: p.Met491Thr; replaces methionine 491 with threonine.
Molecular consequence: missense variant.
Genome position (GRCh38, 1-based): chr2:47,799,455, T>C. VCF-style: chr2-47799455-T-C. GRCh37 (hg19) VCF-style: chr2-48026594-T-C.
Other names: c.566T>C, p.Met189Thr (NM_001406829.1, NM_001281493.2, NM_001281494.2 and 6 more transcripts); c.1175T>C, p.Met392Thr (NM_001406830.1, NM_001406797.1, NM_001406801.1 and 10 more transcripts); c.1082T>C, p.Met361Thr (NM_001281492.2); c.1568T>C, p.Met523Thr (NM_001406795.1, NM_001406802.1); c.1472T>C, p.Met491Thr (NM_001406796.1, NM_001406798.1, NM_001406800.1 and 4 more transcripts); c.947T>C, p.Met316Thr (NM_001406799.1, NM_001406806.1, NM_001406807.1); c.1394T>C, p.Met465Thr (NM_001406804.1); c.1478T>C, p.Met493Thr (NM_001406813.1); and 1 more; short protein forms M316T, M361T, M465T, M491T, M493T, M189T, M392T, M435T.
Identifiers: ClinVar variation 1773387 (VCV001773387.5), dbSNP rs759643679, ClinGen allele CA067724.

ClinVar aggregate classification (germline): Conflicting classifications of pathogenicity. Review status: criteria provided, conflicting classifications (1 of 4 stars). 3 submissions from 3 submitters: Uncertain significance (2); Likely benign (1). Last evaluated 2024-12-23.

Conditions:
Hereditary cancer-predisposing syndrome. Also called: Hereditary Cancer Syndrome; Hereditary neoplastic syndrome; Neoplastic Syndromes, Hereditary; Tumor predisposition. Identifiers: Orphanet 140162, MedGen C0027672, MeSH D009386, MONDO:0015356.
Lynch syndrome. Identifiers: Orphanet 144, MedGen C4552100, MONDO:0005835. Disease mechanism: loss of function.
Hereditary nonpolyposis colorectal neoplasms. Identifiers: MedGen C0009405, MeSH D003123.

Allele frequency attached by ClinVar (database versions not stated): gnomAD exomes below 0.00001; ExAC 0.00001.

Submissions (3):

Labcorp Genetics (formerly Invitae), Labcorp
Classification: Likely benign for Hereditary nonpolyposis colorectal neoplasms. Last evaluated: 2024-12-23. Review status: criteria provided, single submitter. Criteria: Invitae Variant Classification Sherloc (09022015). Collection method: clinical testing. Allele origin: germline.

All of Us Research Program, National Institutes of Health
Classification: Uncertain significance for Lynch syndrome. Last evaluated: 2023-12-13. Review status: criteria provided, single submitter. Criteria: ACMG Guidelines, 2015. Collection method: clinical testing. Allele origin: germline. Inheritance: Autosomal dominant inheritance. Observed: 1 variant allele, 1 heterozygote.
Comment: This missense variant replaces methionine with threonine at codon 491 of the MSH6 protein. Computational prediction suggests that this variant may have deleterious impact on protein structure and function (internally defined REVEL score threshold >= 0.7, PMID: 27666373). To our knowledge, functional studies have not been reported for this variant. This variant has not been reported in individuals affected with MSH6-related disorders in the literature. This variant has been identified in 1/251186 chromosomes in the general population by the Genome Aggregation Database (gnomAD). The available evidence is insufficient to determine the role of this variant in disease conclusively. Therefore, this variant is classified as a Variant of Uncertain Significance.

This study involves interpretation of variants in research participants for the purpose of population health screening. Participant phenotype was not available at the time of variant classification. Additional details can be found in publication PMID: 35346344, PMCID: PMC8962531

Ambry Genetics
Classification: Uncertain significance for Hereditary cancer-predisposing syndrome. Last evaluated: 2021-03-17. Review status: criteria provided, single submitter. Criteria: Ambry Variant Classification Scheme 2023. Collection method: clinical testing. Allele origin: germline.
Comment: The p.M491T variant (also known as c.1472T>C), located in coding exon 4 of the MSH6 gene, results from a T to C substitution at nucleotide position 1472. The methionine at codon 491 is replaced by threonine, an amino acid with similar properties. This amino acid position is highly conserved in available vertebrate species. In addition, this alteration is predicted to be deleterious by in silico analysis. Since supporting evidence is limited at this time, the clinical significance of this alteration remains unclear.